The following is an entry in ClinVar:

ClinVar aggregate classification (germline): Pathogenic (1 of 4 stars; one submission).

Conditions:
Alagille syndrome due to a JAG1 point mutation. Also called: JAG1-Related Alagille Syndrome; HEPATIC DUCTULAR HYPOPLASIA, SYNDROMATIC; Alagille Syndrome 1. Identifiers: Orphanet 261619, Orphanet 52, MedGen C1956125, MONDO:0016862, OMIM 118450.

Submission:

Labcorp Genetics (formerly Invitae), Labcorp
Classification: Pathogenic for Alagille syndrome due to a JAG1 point mutation. Last evaluated: 2024-12-15. Review status: criteria provided, single submitter. Criteria: Invitae Variant Classification Sherloc (09022015). Collection method: clinical testing. Allele origin: germline.
Comment: This sequence change creates a premature translational stop signal (p.Asn197Lysfs*2) in the JAG1 gene. It is expected to result in an absent or disrupted protein product. Loss-of-function variants in JAG1 are known to be pathogenic (PMID: 11180599). This variant is not present in population databases (gnomAD no frequency). This variant has not been reported in the literature in individuals affected with JAG1-related conditions. For these reasons, this variant has been classified as Pathogenic.

Literature cited by the submitters: PubMed 11180599.

NM_000214.3(JAG1):c.590dup (p.Asn197fs)

Gene: JAG1 (jagged canonical Notch ligand 1; minus strand). Cytogenetic location: 20p12.2.
Variant type: Duplication.
Coding change: c.590dup on transcript NM_000214.3 (MANE Select); coding-DNA position 590, one base duplicated (A; older notation c.590dupA).
Protein change: p.Asn197fs; shifts the reading frame from asparagine 197.
Molecular consequence: frameshift variant.
Genome position (GRCh38, 1-based): chr20:10,658,572, T duplicated on the plus strand (A on the coding strand, the reverse complement: JAG1 is on the minus strand); the first of 2 consecutive T bases (chr20:10,658,572-10,658,573); duplicating either gives the same sequence. VCF-style (leftmost placement, unchanged base first): chr20-10658571-A-AT. GRCh37 (hg19) VCF-style: chr20-10639219-A-AT.
Other names: short protein forms N197fs.
Identifiers: ClinVar variation 3727321 (VCV003727321.2).
Genomic context (GRCh38, chr20:10,658,571, plus strand): 5'-GTTGCCATTCTGGTCACAGGCATAGTGTCCAAAGAAGTCATCTCTGGGGCGGCAGAACTT[A>AT]TTGCAGCCAAAGCCATAGTAGTAGTCATCACAGGTCACGCGGATCTGATACTCAAAGTGG-3'